The following is an entry in ClinVar:

NM_006947.4(SRP72):c.1439A>G (p.Asp480Gly)

Gene: SRP72 (signal recognition particle 72; plus strand). Cytogenetic location: 4q12.
Variant type: single nucleotide variant.
Coding change: c.1439A>G on transcript NM_006947.4 (MANE Select); coding-DNA position 1439, A replaced by G.
Protein change: p.Asp480Gly; replaces aspartic acid 480 with glycine.
Molecular consequence: missense variant. On other transcripts: non-coding transcript variant (1).
Genome position (GRCh38, 1-based): chr4:56,490,582, A>G. VCF-style: chr4-56490582-A-G. GRCh37 (hg19) VCF-style: chr4-57356748-A-G.
Other names: c.1256A>G, p.Asp419Gly (NM_001267722.2); short protein forms D419G, D480G.
Identifiers: ClinVar variation 3962116 (VCV003962116.1).

ClinVar aggregate classification (germline): Uncertain significance (1 of 4 stars; one submission).

gnomAD v4.1: 2 of 1,613,830 alleles (0.00012%); highest among the groups gnomAD compares: Non-Finnish European, 0.00017%; no homozygotes.

Submission:

Ambry Genetics
Classification: Uncertain significance. Last evaluated: 2025-05-21. Review status: criteria provided, single submitter. Criteria: Ambry Variant Classification Scheme 2023. Collection method: clinical testing. Allele origin: germline.
Comment: The p.D480G variant (also known as c.1439A>G), located in coding exon 15 of the SRP72 gene, results from an A to G substitution at nucleotide position 1439. The aspartic acid at codon 480 is replaced by glycine, an amino acid with similar properties. This amino acid position is conserved. In addition, this alteration is predicted to be deleterious by in silico analysis. Based on the available evidence, the clinical significance of this variant remains unclear.